The following is an entry in ClinVar:

NM_000458.4(HNF1B):c.103C>T (p.Pro35Ser)

Gene: HNF1B (HNF1 homeobox B; minus strand). Cytogenetic location: 17q12.
Variant type: single nucleotide variant.
Coding change: c.103C>T on transcript NM_000458.4 (MANE Select); coding-DNA position 103, C replaced by T.
Protein change: p.Pro35Ser; replaces proline 35 with serine.
Molecular consequence: missense variant.
Genome position (GRCh38, 1-based): chr17:37,744,782, G>A on the plus strand (C>T on the coding strand, the complement: HNF1B is on the minus strand). VCF-style: chr17-37744782-G-A. GRCh37 (hg19) VCF-style: chr17-36104773-G-A.
Other names: c.103C>T, p.Pro35Ser (NM_001165923.4, NM_001304286.2, NM_001411100.1); short protein forms P35S.
Identifiers: ClinVar variation 4984299 (VCV004984299.1).

ClinVar aggregate classification (germline): Uncertain significance (1 of 4 stars; one submission).

Conditions:
HNF1B-related disorder. Also called: HNF1B-related condition; HNF1B-related disorders.

gnomAD v4.1: 1 of 1,613,596 alleles (0.000062%); highest among the groups gnomAD compares: Non-Finnish European, 0.000085%; no homozygotes.

Submission:

PreventionGenetics, part of Exact Sciences
Classification: Uncertain significance for HNF1B-related condition. Last evaluated: 2025-12-01. Review status: criteria provided, single submitter. Criteria: ACMG Guidelines, 2015. Collection method: clinical testing. Allele origin: germline.
Comment: The HNF1B c.103C>T variant is predicted to result in the amino acid substitution p.Pro35Ser. To our knowledge, this variant has not been reported in the literature or in a large population database (gnomAD), indicating this variant is rare. At this time, the clinical significance of this variant is uncertain due to the absence of conclusive functional and genetic evidence.